The following is an entry in ClinVar:

NM_005546.4(ITK):c.487G>C (p.Asp163His)

Gene: ITK (IL2 inducible T cell kinase; plus strand). Cytogenetic location: 5q33.3.
Variant type: single nucleotide variant.
Coding change: c.487G>C on transcript NM_005546.4 (MANE Select); coding-DNA position 487, G replaced by C.
Protein change: p.Asp163His; replaces aspartic acid 163 with histidine.
Molecular consequence: missense variant.
Genome position (GRCh38, 1-based): chr5:157,217,899, G>C. VCF-style: chr5-157217899-G-C. GRCh37 (hg19) VCF-style: chr5-156644909-G-C.
Other names: short protein forms D163H.
Identifiers: ClinVar variation 2123917 (VCV002123917.4), dbSNP rs2480564456, ClinGen allele CA361951650.
Genomic context (GRCh38, chr5:157,217,899, plus strand): 5'-TTTTCTTTTCCTGTTTTTCTCTTTTCAGCTTCAAAGAAGCCTCTTCCTCCTACTCCTGAA[G>C]ACAACAGGGTGAGTGAGAGCGCTAGCTCCGGGTGCAGGTGGGCCCACAGGCTACCTGATT-3'
Protein context (NP_005537.3, residues 153-173): SKKPLPPTPE[Asp163His]NRRPLWEPEE

ClinVar aggregate classification (germline): Uncertain significance (1 of 4 stars; one submission).

Conditions:
Lymphoproliferative syndrome 1 (LPFS1). Identifiers: Orphanet 238505, Orphanet 538963, MedGen C3552634, MONDO:0013081, OMIM 613011.

Submission:

Labcorp Genetics (formerly Invitae), Labcorp
Classification: Uncertain significance for Lymphoproliferative syndrome 1. Last evaluated: 2023-12-11. Review status: criteria provided, single submitter. Criteria: Invitae Variant Classification Sherloc (09022015). Collection method: clinical testing. Allele origin: germline.
Comment: This sequence change replaces aspartic acid, which is acidic and polar, with histidine, which is basic and polar, at codon 163 of the ITK protein (p.Asp163His). This variant is not present in population databases (gnomAD no frequency). This variant has not been reported in the literature in individuals affected with ITK-related conditions. ClinVar contains an entry for this variant (Variation ID: 2123917). Advanced modeling of protein sequence and biophysical properties (such as structural, functional, and spatial information, amino acid conservation, physicochemical variation, residue mobility, and thermodynamic stability) performed at Invitae indicates that this missense variant is not expected to disrupt ITK protein function with a negative predictive value of 95%. In summary, the available evidence is currently insufficient to determine the role of this variant in disease. Therefore, it has been classified as a Variant of Uncertain Significance.